The following is an entry in ClinVar:

NM_001393769.1(MED12L):c.2662-3C>G

Genes: MED12L (mediator complex subunit 12L; plus strand), P2RY12 (purinergic receptor P2Y12; minus strand). Cytogenetic location: 3q25.1.
Variant type: single nucleotide variant.
Coding change: c.2662-3C>G on transcript NM_001393769.1 (MANE Select); 3 bases into the intron before coding-DNA position 2662, C replaced by G.
Molecular consequence: intron variant.
Genome position (GRCh38, 1-based): chr3:151,357,210, C>G. VCF-style: chr3-151357210-C-G. GRCh37 (hg19) VCF-style: chr3-151074998-C-G.
Other names: c.2557-3C>G (NM_053002.6); c.-179-16450G>C (NM_022788.5).
Identifiers: ClinVar variation 3871959 (VCV003871959.1).

ClinVar aggregate classification (germline): Uncertain significance (1 of 4 stars; one submission).

Conditions:
Inborn genetic diseases. Identifiers: MedGen C0950123, MeSH D030342.

Submission:

Ambry Genetics
Classification: Uncertain significance for Inborn genetic diseases. Last evaluated: 2025-03-05. Review status: criteria provided, single submitter. Criteria: Ambry Variant Classification Scheme 2023. Collection method: clinical testing. Allele origin: germline.
Comment: The c.2557-3C>G intronic alteration results from a C to G substitution 3 nucleotides before coding exon 18 of the MED12L gene. This variant was not reported in population-based cohorts in the Genome Aggregation Database (gnomAD). This nucleotide position is not well conserved in available vertebrate species. In silico splice site analysis predicts that this alteration will weaken the native splice acceptor site and will result in the creation or strengthening of a novel splice acceptor site. Based on insufficient or conflicting evidence, the clinical significance of this alteration remains unclear.